The following is an entry in ClinVar:

ClinVar aggregate classification (germline): Uncertain significance (1 of 4 stars; one submission).

Conditions:
Charcot-Marie-Tooth disease type 2. Also called: Charcot-Marie-Tooth type 2. Identifiers: Orphanet 64746, MedGen C0270914, MONDO:0018993.

Submission:

Labcorp Genetics (formerly Invitae), Labcorp
Classification: Uncertain significance for Charcot-Marie-Tooth disease type 2. Last evaluated: 2022-08-28. Review status: criteria provided, single submitter. Criteria: Invitae Variant Classification Sherloc (09022015). Collection method: clinical testing. Allele origin: germline.
Comment: This sequence change replaces alanine, which is neutral and non-polar, with phenylalanine, which is neutral and non-polar, at codon 157 of the MFN2 protein (p.Ala157Phe). Information on the frequency of this variant in the gnomAD database is not available, as this variant may be reported differently in the database. This variant has not been reported in the literature in individuals affected with MFN2-related conditions. Algorithms developed to predict the effect of missense changes on protein structure and function are either unavailable or do not agree on the potential impact of this missense change (SIFT: "Not Available"; PolyPhen-2: "Benign"; Align-GVGD: "Not Available"). In summary, the available evidence is currently insufficient to determine the role of this variant in disease. Therefore, it has been classified as a Variant of Uncertain Significance.

NM_014874.4(MFN2):c.469_470delinsTT (p.Ala157Phe)

Gene: MFN2 (mitofusin 2; plus strand). Cytogenetic location: 1p36.22.
Variant type: Indel.
Coding change: c.469_470delinsTT on transcript NM_014874.4 (MANE Select); coding-DNA positions 469 to 470, GC replaced by TT.
Protein change: p.Ala157Phe; replaces alanine 157 with phenylalanine.
Molecular consequence: missense variant.
Genome position (GRCh38, 1-based): chr1:11,996,313-11,996,314, GC replaced by TT. VCF-style: chr1-11996313-GC-TT. GRCh37 (hg19) VCF-style: chr1-12056370-GC-TT.
Other names: c.469_470delinsTT, p.Ala157Phe (NM_001127660.2); short protein forms A157F.
Identifiers: ClinVar variation 1718241 (VCV001718241.5), dbSNP rs2523011783, ClinGen allele CA2580061154.